The following is an entry in ClinVar:

ClinVar aggregate classification (germline): Uncertain significance (1 of 4 stars; one submission).

Conditions:
Neurofibromatosis, type 1 (NF1). Also called: VON RECKLINGHAUSEN DISEASE; NEUROFIBROMATOSIS, TYPE I, SOMATIC; Peripheral type neurofibromatosis; Neurofibromatosis, type I. Identifiers: Orphanet 636, MedGen C0027831, MONDO:0018975, OMIM 162200. Disease mechanism: loss of function.

Submission:

Labcorp Genetics (formerly Invitae), Labcorp
Classification: Uncertain significance for Neurofibromatosis, type 1. Last evaluated: 2020-10-02. Review status: criteria provided, single submitter. Criteria: Invitae Variant Classification Sherloc (09022015). Collection method: clinical testing. Allele origin: germline.
Comment: This variant is not present in population databases (ExAC no frequency). This sequence change replaces asparagine with aspartic acid at codon 916 of the NF1 protein (p.Asn916Asp). The asparagine residue is highly conserved and there is a small physicochemical difference between asparagine and aspartic acid. This variant has not been reported in the literature in individuals with NF1-related conditions. In summary, the available evidence is currently insufficient to determine the role of this variant in disease. Therefore, it has been classified as a Variant of Uncertain Significance. Algorithms developed to predict the effect of missense changes on protein structure and function are either unavailable or do not agree on the potential impact of this missense change (SIFT: "Deleterious"; PolyPhen-2: "Probably Damaging"; Align-GVGD: "Class C0").

NM_001042492.3(NF1):c.2746A>G (p.Asn916Asp)

Gene: NF1 (neurofibromin 1; plus strand). Cytogenetic location: 17q11.2.
Variant type: single nucleotide variant.
Coding change: c.2746A>G on transcript NM_001042492.3 (MANE Select); coding-DNA position 2746, A replaced by G.
Protein change: p.Asn916Asp; replaces asparagine 916 with aspartic acid.
Molecular consequence: missense variant.
Genome position (GRCh38, 1-based): chr17:31,229,361, A>G. VCF-style: chr17-31229361-A-G. GRCh37 (hg19) VCF-style: chr17-29556379-A-G.
Other names: c.2746A>G, p.Asn916Asp (NM_000267.4); short protein forms N916D.
Identifiers: ClinVar variation 1040009 (VCV001040009.5), dbSNP rs2067072617, ClinGen allele CA398985321.